The following is an entry in ClinVar:

NM_138694.4(PKHD1):c.6866-1G>T

Gene: PKHD1 (PKHD1 ciliary IPT domain containing fibrocystin/polyductin; minus strand). Cytogenetic location: 6p12.2.
Variant type: single nucleotide variant.
Coding change: c.6866-1G>T on transcript NM_138694.4 (MANE Select); the canonical splice acceptor site of the intron before coding-DNA position 6866, G replaced by T.
Molecular consequence: splice acceptor variant.
Genome position (GRCh38, 1-based): chr6:51,903,728, C>A on the plus strand (G>T on the coding strand, the complement: PKHD1 is on the minus strand). VCF-style: chr6-51903728-C-A. GRCh37 (hg19) VCF-style: chr6-51768526-C-A.
Other names: c.6866-1G>T (NM_170724.3, NM_138694.3).
Identifiers: ClinVar variation 2759117 (VCV002759117.4), dbSNP rs1781631365, ClinGen allele CA364430260.

ClinVar aggregate classification (germline): Likely pathogenic. Review status: criteria provided, multiple submitters, no conflicts (2 of 4 stars). 2 submissions from 2 submitters: Likely pathogenic (2). Last evaluated 2024-12-10.

Conditions:
Autosomal recessive polycystic kidney disease (ARPKD). Also called: AR polycystic kidney disease. Identifiers: Orphanet 731, Orphanet 8378, MedGen C0085548, MeSH D017044, MONDO:0009889.

gnomAD v4.1: 1 of 1,609,188 alleles (0.000062%); highest among the groups gnomAD compares: South Asian, 0.0011%; no homozygotes.

Submissions (2):

Natera, Inc.
Classification: Likely pathogenic for Autosomal recessive polycystic kidney disease. Last evaluated: 2024-12-10. Review status: criteria provided, single submitter. Criteria: Natera Variant Classification Schema (03/2026). Collection method: clinical testing. Allele origin: germline.
Comment: The c.6866-1G>T variant in PKHD1 is a canonical splice acceptor site variant predicted to affect pre-mRNA splicing, which may result in an abnormal transcript and altered protein product. This variant is expected to result in nonsense mediated decay, truncation, or a dysfunctional protein product. This variant is rare in the general population with a frequency below the threshold expected for the associated phenotype(s). Given the available evidence, this variant is classified as Likely Pathogenic.

Labcorp Genetics (formerly Invitae), Labcorp
Classification: Likely pathogenic for Autosomal recessive polycystic kidney disease. Last evaluated: 2023-09-08. Review status: criteria provided, single submitter. Criteria: Invitae Variant Classification Sherloc (09022015). Collection method: clinical testing. Allele origin: germline.
Comment: This sequence change affects an acceptor splice site in intron 42 of the PKHD1 gene. It is expected to disrupt RNA splicing. Variants that disrupt the donor or acceptor splice site typically lead to a loss of protein function (PMID: 16199547), and loss-of-function variants in PKHD1 are known to be pathogenic (PMID: 19940839). In summary, the currently available evidence indicates that the variant is pathogenic, but additional data are needed to prove that conclusively. Therefore, this variant has been classified as Likely Pathogenic. Algorithms developed to predict the effect of sequence changes on RNA splicing suggest that this variant may disrupt the consensus splice site. Disruption of this splice site has been observed in individual(s) with polycystic kidney disease (Invitae). This variant is not present in population databases (gnomAD no frequency).

Literature cited by the submitters: PubMed 16199547 (cited by Labcorp Genetics (formerly Invitae), Labcorp); PubMed 19940839 (cited by Labcorp Genetics (formerly Invitae), Labcorp).